The following is an entry in ClinVar:

ClinVar aggregate classification (germline): Likely benign. Review status: criteria provided, single submitter (1 of 4 stars). 2 submissions from 2 submitters: Likely benign (1). 1 of the submissions does not count toward it. Last evaluated 2022-11-02.

Conditions:
GLDC-related disorder. Also called: GLDC-related condition.
Glycine encephalopathy. Also called: Nonketotic hyperglycinemia; Non-ketotic hyperglycinemia. Identifiers: Orphanet 407, MedGen C0751748, MONDO:0011612, HP:0008288.

Allele frequency attached by ClinVar (database versions not stated): TOPMed below 0.00001.

Submissions (2):

Labcorp Genetics (formerly Invitae), Labcorp
Classification: Likely benign for Glycine encephalopathy. Last evaluated: 2022-11-02. Review status: criteria provided, single submitter. Criteria: Invitae Variant Classification Sherloc (09022015). Collection method: clinical testing. Allele origin: germline.

PreventionGenetics, part of Exact Sciences
Classification: Likely benign for GLDC-related condition. Last evaluated: 2024-06-20. Review status: no assertion criteria provided. Collection method: clinical testing. Allele origin: germline. Not counted in ClinVar's aggregate classification.
Comment: This variant is classified as likely benign based on ACMG/AMP sequence variant interpretation guidelines (Richards et al. 2015 PMID: 25741868, with internal and published modifications).

NM_000170.3(GLDC):c.420C>T (p.Asn140=)

Gene: GLDC (glycine decarboxylase; minus strand). Cytogenetic location: 9p24.1.
Variant type: single nucleotide variant.
Coding change: c.420C>T on transcript NM_000170.3 (MANE Select); coding-DNA position 420, C replaced by T.
Protein change: p.Asn140=; no amino-acid change (asparagine 140 retained).
Molecular consequence: synonymous variant.
Genome position (GRCh38, 1-based): chr9:6,620,234, G>A on the plus strand (C>T on the coding strand, the complement: GLDC is on the minus strand). VCF-style: chr9-6620234-G-A. GRCh37 (hg19) VCF-style: chr9-6620234-G-A.
Identifiers: ClinVar variation 2417808 (VCV002417808.11), dbSNP rs368798241, ClinGen allele CA188655991.
Genomic context (GRCh38, chr9:6,620,234, plus strand): 5'-AATACATTACCATCCTGAGTTCTCCAGTAAGTTCCGCAAAATCGTCTGTGGCACTGAGCA[G>A]TTATAATAGCCCATGCCAATATACGATCTCCAGATCTGGTTTTTGCTTGAAATGGCATGC-3'
Protein context (NP_000161.2, residues 130-150): WRSYIGMGYY[Asn140=]CSVPQTILRN